The following is an entry in ClinVar:

ClinVar aggregate classification (germline): Benign/Likely benign; other. Review status: criteria provided, multiple submitters, no conflicts (2 of 4 stars). 28 submissions from 28 submitters: Benign (11); Likely benign (10). 5 of the submissions do not count toward it. Last evaluated 2026-09-08.

Conditions:
Cardiovascular phenotype. Identifiers: MedGen CN230736.
Cardiomyopathy (CMYO). Also called: Cardiomyopathies. Identifiers: Orphanet 167848, MedGen C0878544, MONDO:0004994, HP:0001638. Inheritance: Various modes of inheritance.
Fabry disease. Also called: Fabry's disease; ALPHA-GALACTOSIDASE A DEFICIENCY; ANDERSON-FABRY DISEASE; CERAMIDE TRIHEXOSIDASE DEFICIENCY; GLA DEFICIENCY; Ceramide trihexosidosis. Identifiers: Orphanet 324, MedGen C0002986, MONDO:0010526, OMIM 301500, HP:0001071. Disease mechanism: Fabry disease is due to inactivating mutations in the X-linked GLA gene resulting in deficiency of the enzyme Alpha Galactosidase-A., loss of function.
Hypertrophic cardiomyopathy. Also called: HYPERTROPHIC MYOCARDIOPATHY. Identifiers: Orphanet 217569, MedGen C0007194, MeSH D002312, MONDO:0005045, HP:0001639.
Sudden unexplained death. Identifiers: MedGen C0520806.

Allele frequency attached by ClinVar (database versions not stated): 1000 Genomes Project 30x 0.00166; 1000 Genomes Project 0.00212; TOPMed 0.00285; gnomAD 0.00308 and 0.00315; ExAC 0.00313.
gnomAD v4.1: 4,565 of 1,207,947 alleles (0.38%); highest among the groups gnomAD compares: Non-Finnish European, 0.44%; 10 homozygotes.

Submissions 1 to 18 of 28:

Genomenon, Inc
Classification: Benign for Fabry disease. Last evaluated: 2026-09-08. Review status: criteria provided, single submitter. Criteria: Genomenon Sequence Variant Interpretation Standards - Updated. Collection method: curation. Allele origin: germline. Affected: no.
Comment: GLA p.Asp313Tyr (c.937G>T) is a missense variant that changes the amino acid at codon 313 from Aspartic acid to Tyrosine. This variant is present at high allele frequency in population databases. We classify GLA p.Asp313Tyr (c.937G>T) as a benign variant.

Serv. Biochemistry and Molecular genetics, Hospital Clinic de Barcelona, Hospital Clínic de Barcelona
Classification: Benign for Fabry disease. Last evaluated: 2026-05-21. Review status: criteria provided, single submitter. Criteria: ACMG Guidelines, 2015. Collection method: clinical testing. Allele origin: germline. Inheritance: X-linked inheritance. Affected: yes. Observed: 19 variant alleles. Clinical features observed: Chronic kidney disease (HP:0012622), Hypertrophic cardiomyopathy (HP:0001639).
Comment: Classification reported in the manuscript using ACMG criteria/in silico tools: VUS. Variant type: Missense; amino acid change: p.Asp313Tyr; The manuscript notes conflicting evidence for p.Asp313Tyr; limited clinical and biochemical data prevent definitive genotype-phenotype conclusions. Criteria: PP2, BS1, BS2, BP6

Blueprint Genetics
Classification: Likely benign. Last evaluated: 2024-11-25. Review status: criteria provided, single submitter. Criteria: ACMG Guidelines, 2015. Collection method: clinical testing. Allele origin: germline.

Women's Health and Genetics/Laboratory Corporation of America, LabCorp
Classification: Benign. Last evaluated: 2024-10-14. Review status: criteria provided, single submitter. Criteria: LabCorp Variant Classification Summary - May 2015. Collection method: clinical testing. Allele origin: germline.
Comment: Variant summary: GLA c.937G>T (p.Asp313Tyr) results in a non-conservative amino acid change in the encoded protein sequence. Five of five in-silico tools predict a damaging effect of the variant on protein function. The variant allele was found at a frequency of 0.0038 in 1210097 control chromosomes, predominantly at a frequency of 0.0044 within the Non-Finnish European subpopulation in the gnomAD database (v4), including 5 homozygotes and 1278 hemizygotes. This frequency is slightly lower than estimated for a pathogenic variant in GLA causing Fabry Disease (0.0038 vs 0.005) however the presence of a high number of hemizygotes suggests a generally benign role for the variant. c.937G>T has been observed in large phenotypic range of patients, from clinically normal to classic Fabry disease patients, including patients with cardiac, renal and cerebrovascular manifestations. Co-occurrences with other pathogenic variant(s) have been reported (GLA c.1232G>A, p.Gly411Asp; GLA c.334C>T, p.Arg112Cys; GLA c.514T>G, p.Cys172Gly; GLA c.811G>A, p.Gly271Ser; GLA c.835C>G , p.Gln279Glu), providing supporting evidence for a benign role. Functional studies have shown that Asp313Tyr does not disrupt enzyme structure, has >90% residual enzyme activity and is stable at lysosomal pH (4.5) (Yasuda_2003). Overall, functional studies suggest that the Asp313Tyr variant is a functional polymorphism rather than a disease-causing variant. Several studies reported the variant to be associated with a risk of neurologic involvement, particularly late-onset cerebrovascular disease, white matter lesions and small fiber neuropathy (e.g. Brouns_2010, Lenders_2010, Effraimidis_2020, Von Cossel_2021). In summary, based on the evidence outlined above, though the Asp313Tyr variant might be associated with a risk for late-onset neurologic manifestations, it does not cause Fabry disease. The following publications have been ascertained in the context of this evaluation (PMID: 25078086, 20110537, 29044343, 11668641, 20360539, 23219219, 32246457, 7504405, 14680977, 20122163, 9452111, 29037082, 28988177, 23393592, 26415523, 23430502, 29530533, 24829596, 29631605, 33543778, 14635108, 27832731, 32109691, 28276057, 35971858). ClinVar contains an entry for this variant (Variation ID: 10738). Based on the evidence outlined above, the variant was classified as benign.

ARUP Laboratories, Molecular Genetics and Genomics, ARUP Laboratories
Classification: Benign. Last evaluated: 2024-08-12. Review status: criteria provided, single submitter. Criteria: ARUP Molecular Germline Variant Investigation Process 2024. Collection method: clinical testing. Allele origin: germline.

CHEO Genetics Diagnostic Laboratory, Children's Hospital of Eastern Ontario
Classification: Likely benign for Cardiomyopathy. Last evaluated: 2023-04-19. Review status: criteria provided, single submitter. Criteria: ACMG Guidelines, 2015. Collection method: clinical testing. Allele origin: germline. Study: Canadian Open Genetics Repository.

CeGaT Center for Human Genetics Tuebingen
Classification: Benign. Last evaluated: 2023-04-01. Review status: criteria provided, single submitter. Criteria: CeGaT Center For Human Genetics Tuebingen Variant Classification Criteria Version 2. Collection method: clinical testing. Allele origin: germline. Affected: yes. Observed: 1 variant allele.
Comment: GLA: BP2, BP5, BS3:Supporting, BS1

Cohesion Phenomics
Classification: Benign for Hypertrophic cardiomyopathy. Last evaluated: 2022-09-29. Review status: criteria provided, single submitter. Criteria: ACMG Guidelines, 2015. Collection method: clinical testing. Allele origin: germline. Affected: yes.

Dubai Health Genomic Medicine Center, Dubai Health
Classification: Benign for Fabry disease. Last evaluated: 2020-07-23. Review status: criteria provided, single submitter. Criteria: ACMG Guidelines, 2015. Collection method: clinical testing. Allele origin: germline. Affected: yes.

Mendelics
Classification: Likely benign for Fabry disease. Last evaluated: 2019-05-28. Review status: criteria provided, single submitter. Criteria: Mendelics Assertion Criteria 2017. Collection method: clinical testing. Allele origin: unknown.

Institute of Human Genetics, University of Leipzig Medical Center
Classification: Benign for Fabry disease. Last evaluated: 2019-01-01. Review status: criteria provided, single submitter. Criteria: ACMG Guidelines, 2015. Collection method: clinical testing. Allele origin: unknown. Affected: no.

Labcorp Genetics (formerly Invitae), Labcorp
Classification: other for Fabry disease. Last evaluated: 2018-12-27. Review status: criteria provided, single submitter. Criteria: Invitae Variant Classification Sherloc (09022015). Collection method: clinical testing. Allele origin: germline.

Eurofins Ntd Llc (ga)
Classification: other. Last evaluated: 2018-08-22. Review status: criteria provided, single submitter. Criteria: EGL ClinVar v180209 classification definitions. Collection method: clinical testing. Allele origin: germline. Observed: 5 variant alleles, 5 heterozygotes.

Color Diagnostics, LLC DBA Color Health
Classification: Benign for Fabry disease. Last evaluated: 2018-03-16. Review status: criteria provided, single submitter. Criteria: ACMG Guidelines, 2015. Collection method: clinical testing. Allele origin: germline.

Ambry Genetics
Classification: Benign for Cardiovascular phenotype. Last evaluated: 2018-01-11. Review status: criteria provided, single submitter. Criteria: Ambry Variant Classification Scheme 2023. Collection method: clinical testing. Allele origin: germline.

Center for Advanced Laboratory Medicine, UC San Diego Health, University of California San Diego
Classification: Likely benign for Hypertrophic cardiomyopathy. Last evaluated: 2017-07-26. Review status: criteria provided, single submitter. Criteria: ACMG Guidelines, 2015. Collection method: clinical testing. Allele origin: germline. Affected: yes. Observed: 1 variant allele.

Center for Pediatric Genomic Medicine, Children's Mercy Hospital and Clinics
Classification: Likely benign. Last evaluated: 2017-06-29. Review status: criteria provided, single submitter. Criteria: ACMG Guidelines, 2015. Collection method: clinical testing. Allele origin: germline.

Illumina Laboratory Services, Illumina
Classification: Likely benign for Fabry disease. Last evaluated: 2017-04-27. Review status: criteria provided, single submitter. Criteria: ICSL Variant Classification Criteria 13 December 2019. Collection method: clinical testing. Allele origin: germline.
Comment: This variant was observed as part of a predisposition screen in an ostensibly healthy population. A literature search was performed for the gene, cDNA change, and amino acid change (where applicable). Publications were found based on this search. The evidence from the literature, in combination with allele frequency data from public databases where available, was sufficient to determine this variant is unlikely to cause disease. Therefore, this variant is classified as likely benign.

NM_000169.3(GLA):c.937G>T (p.Asp313Tyr)

Genes: GLA (galactosidase alpha; minus strand), RPL36A-HNRNPH2 (RPL36A-HNRNPH2 readthrough; plus strand). Cytogenetic location: Xq22.1.
Variant type: single nucleotide variant.
Coding change: c.937G>T on transcript NM_000169.3 (MANE Select); coding-DNA position 937, G replaced by T.
Protein change: p.Asp313Tyr; replaces aspartic acid 313 with tyrosine.
Molecular consequence: missense variant. On other transcripts: non-coding transcript variant (3), intron variant (2).
Genome position (GRCh38, 1-based): chrX:101,398,432, C>A on the plus strand (G>T on the coding strand, the complement: GLA is on the minus strand). VCF-style: chrX-101398432-C-A. GRCh37 (hg19) VCF-style: chrX-100653420-C-A.
Other names: c.1060G>T, p.Asp354Tyr (NM_001406747.1); c.937G>T, p.Asp313Tyr (NM_001406748.1); c.300+2975C>A (NM_001199973.2); c.177+6610C>A (NM_001199974.2); short protein forms D313Y, D354Y.
Identifiers: ClinVar variation 10738 (VCV000010738.97), dbSNP rs28935490, ClinGen allele CA022202.